The following is an entry in ClinVar:

ClinVar aggregate classification (germline): Uncertain significance (1 of 4 stars; one submission).

Conditions:
Hereditary cancer-predisposing syndrome. Also called: Tumor predisposition; Hereditary Cancer Syndrome; Hereditary neoplastic syndrome; Neoplastic Syndromes, Hereditary. Identifiers: Orphanet 140162, MedGen C0027672, MeSH D009386, MONDO:0015356.

Submission:

Ambry Genetics
Classification: Uncertain significance for Hereditary cancer-predisposing syndrome. Last evaluated: 2023-07-12. Review status: criteria provided, single submitter. Criteria: Ambry Variant Classification Scheme 2023. Collection method: clinical testing. Allele origin: germline.
Comment: The p.Y362H variant (also known as c.1084T>C), located in coding exon 11 of the POLE gene, results from a T to C substitution at nucleotide position 1084. The tyrosine at codon 362 is replaced by histidine, an amino acid with similar properties. This amino acid position is conserved. In addition, the in silico prediction for this alteration is inconclusive. Since supporting evidence is limited at this time, the clinical significance of this alteration remains unclear.

NM_006231.4(POLE):c.1084T>C (p.Tyr362His)

Gene: POLE (DNA polymerase epsilon, catalytic subunit; minus strand). Cytogenetic location: 12q24.33.
Variant type: single nucleotide variant.
Coding change: c.1084T>C on transcript NM_006231.4 (MANE Select); coding-DNA position 1084, T replaced by C.
Protein change: p.Tyr362His; replaces tyrosine 362 with histidine.
Molecular consequence: missense variant.
Genome position (GRCh38, 1-based): chr12:132,675,757, A>G on the plus strand (T>C on the coding strand, the complement: POLE is on the minus strand). VCF-style: chr12-132675757-A-G. GRCh37 (hg19) VCF-style: chr12-133252343-A-G.
Other names: short protein forms Y362H.
Identifiers: ClinVar variation 2625233 (VCV002625233.2), dbSNP rs2136011196, ClinGen allele CA387361428.